The following is an entry in ClinVar:

ClinVar aggregate classification (germline): Uncertain significance (1 of 4 stars; one submission).

Allele frequency attached by ClinVar (database versions not stated): gnomAD exomes below 0.00001.

Submission:

Labcorp Genetics (formerly Invitae), Labcorp
Classification: Uncertain significance. Last evaluated: 2024-05-23. Review status: criteria provided, single submitter. Criteria: Invitae Variant Classification Sherloc (09022015). Collection method: clinical testing. Allele origin: germline.
Comment: This sequence change replaces glycine, which is neutral and non-polar, with serine, which is neutral and polar, at codon 291 of the ADGRA3 protein (p.Gly291Ser). This variant is not present in population databases (gnomAD no frequency). This variant has not been reported in the literature in individuals affected with ADGRA3-related conditions. An algorithm developed to predict the effect of missense changes on protein structure and function (PolyPhen-2) suggests that this variant is likely to be disruptive. In summary, the available evidence is currently insufficient to determine the role of this variant in disease. Therefore, it has been classified as a Variant of Uncertain Significance.

NM_145290.4(ADGRA3):c.871G>A (p.Gly291Ser)

Gene: ADGRA3 (adhesion G protein-coupled receptor A3; minus strand). Cytogenetic location: 4p15.2.
Variant type: single nucleotide variant.
Coding change: c.871G>A on transcript NM_145290.4 (MANE Select); coding-DNA position 871, G replaced by A.
Protein change: p.Gly291Ser; replaces glycine 291 with serine.
Molecular consequence: missense variant.
Genome position (GRCh38, 1-based): chr4:22,442,699, C>T on the plus strand (G>A on the coding strand, the complement: ADGRA3 is on the minus strand). VCF-style: chr4-22442699-C-T. GRCh37 (hg19) VCF-style: chr4-22444322-C-T.
Other names: short protein forms G291S.
Identifiers: ClinVar variation 2705559 (VCV002705559.3), dbSNP rs2474794605, ClinGen allele CA356477161.